The following is an entry in ClinVar:

NM_001100.4(ACTA1):c.682G>C (p.Glu228Gln)

Gene: ACTA1 (actin alpha 1, skeletal muscle; minus strand). Cytogenetic location: 1q42.13.
Variant type: single nucleotide variant.
Coding change: c.682G>C on transcript NM_001100.4 (MANE Select); coding-DNA position 682, G replaced by C.
Protein change: p.Glu228Gln; replaces glutamic acid 228 with glutamine.
Molecular consequence: missense variant.
Genome position (GRCh38, 1-based): chr1:229,432,120, C>G on the plus strand (G>C on the coding strand, the complement: ACTA1 is on the minus strand). VCF-style: chr1-229432120-C-G. GRCh37 (hg19) VCF-style: chr1-229567867-C-G.
Other names: short protein forms E228Q.
Identifiers: ClinVar variation 579324 (VCV000579324.11), dbSNP rs1558081664, ClinGen allele CA345147092.

ClinVar aggregate classification (germline): Pathogenic/Likely pathogenic. Review status: criteria provided, multiple submitters, no conflicts (2 of 4 stars). 3 submissions from 3 submitters: Pathogenic (2); Likely pathogenic (1). Last evaluated 2024-12-30.

Conditions:
ACTA1-related disorder. Also called: ACTA1-related condition.
Actin accumulation myopathy (CMYO2A). Also called: Nemaline myopathy type 3; Myopathy, actin, congenital, with excess of thin myofilaments; CONGENITAL MYOPATHY 2A, TYPICAL, AUTOSOMAL DOMINANT; Myopathy, actin, congenital, with cores; Nemaline myopathy 3, with intranuclear rods. Identifiers: Orphanet 98904, MedGen C3711389, MONDO:0008070, OMIM 161800.

Submissions (3):

3billion
Classification: Likely pathogenic for ACTA1-related disorder. Last evaluated: 2024-12-30. Review status: criteria provided, single submitter. Criteria: ACMG Guidelines, 2015. Collection method: clinical testing. Allele origin: germline. Affected: yes.
Comment: The variant is not observed in the gnomAD v4.1.0 dataset. Predicted Consequence/Location: Missense variant. Missense changes are a common disease-causing mechanism. In silico tool predictions suggest damaging effect of the variant on gene or gene product [REVEL: 0.89 (>=0.6, sensitivity 0.68 and specificity 0.92); 3Cnet: 0.99 (>=0.6, sensitivity 0.72 and precision 0.9)]. The same nucleotide change resulting in the same amino acid change has been previously reported to be associated with ACTA1-related disorder (ClinVar ID: VCV000579324 /PMID: 19562689).The variant has been observed in at least two similarly affected unrelated individuals (PMID: 19562689, 24642510, 25214167). Therefore, this variant is classified as Likely pathogenic according to the recommendation of ACMG/AMP guideline.

Labcorp Genetics (formerly Invitae), Labcorp
Classification: Pathogenic for Actin accumulation myopathy. Last evaluated: 2023-10-11. Review status: criteria provided, single submitter. Criteria: Invitae Variant Classification Sherloc (09022015). Collection method: clinical testing. Allele origin: germline.
Comment: This sequence change replaces glutamic acid, which is acidic and polar, with glutamine, which is neutral and polar, at codon 228 of the ACTA1 protein (p.Glu228Gln). This variant is not present in population databases (gnomAD no frequency). This missense change has been observed in individuals with autosomal dominant nemaline myopathy and congenital fiber-type disproportion (PMID: 19562689, 21520333, 24642510, 25214167). ClinVar contains an entry for this variant (Variation ID: 579324). Advanced modeling of protein sequence and biophysical properties (such as structural, functional, and spatial information, amino acid conservation, physicochemical variation, residue mobility, and thermodynamic stability) has been performed at Invitae for this missense variant, however the output from this modeling did not meet the statistical confidence thresholds required to predict the impact of this variant on ACTA1 protein function. For these reasons, this variant has been classified as Pathogenic.

Blueprint Genetics
Classification: Pathogenic for ACTA1-related disorders. Last evaluated: 2021-11-18. Review status: criteria provided, single submitter. Criteria: ACMG Guidelines, 2015. Collection method: clinical testing. Allele origin: germline. Affected: yes. Observed: 1 variant allele.

Literature cited by the submitters: PubMed 19562689 (cited by 3billion and Labcorp Genetics (formerly Invitae), Labcorp); PubMed 24642510 (cited by 3billion and Labcorp Genetics (formerly Invitae), Labcorp); PubMed 25214167 (cited by 3billion and Labcorp Genetics (formerly Invitae), Labcorp); PubMed 21520333 (cited by Labcorp Genetics (formerly Invitae), Labcorp).